The following is an entry in ClinVar:

NM_001267550.2(TTN):c.40053_40057+421del

Gene: TTN (titin; minus strand). Cytogenetic location: 2q31.2.
Variant type: Deletion.
Coding change: c.40053_40057+421del on transcript NM_001267550.2 (MANE Select); coding-DNA position 40053 through 421 bases into the intron after coding-DNA position 40057, 426 bases deleted.
Molecular consequence: splice donor variant. On other transcripts: intron variant (5).
Genome position (GRCh38, 1-based): chr2:178,648,827-178,649,252, 426 bases deleted. GRCh37 (hg19): chr2:179,513,555-179,513,980.
Other names: c.13283-6935_13283-6510del (NM_003319.4); c.13859-6935_13859-6510del (NM_133437.4); c.13658-6935_13658-6510del (NM_133432.3); c.32593+565_32593+990del (NM_133378.4); c.35374+565_35374+990del (NM_001256850.1).
Identifiers: ClinVar variation 3762211 (VCV003762211.2).

ClinVar aggregate classification (germline): Likely pathogenic (1 of 4 stars; one submission).

Conditions:
Autosomal recessive limb-girdle muscular dystrophy type 2J (LGMDR10). Also called: Limb-girdle muscular dystrophy, type 2J; MUSCULAR DYSTROPHY, LIMB-GIRDLE, AUTOSOMAL RECESSIVE 10. Identifiers: Orphanet 140922, MedGen C1837342, MONDO:0012127, OMIM 608807.
Dilated cardiomyopathy 1G (CMD1G). Identifiers: Orphanet 154, MedGen C1858763, MONDO:0011400, OMIM 604145.

Submission:

Labcorp Genetics (formerly Invitae), Labcorp
Classification: Likely pathogenic for Dilated cardiomyopathy 1G; Autosomal recessive limb-girdle muscular dystrophy type 2J. Last evaluated: 2024-11-07. Review status: criteria provided, single submitter. Criteria: Invitae Variant Classification Sherloc (09022015). Collection method: clinical testing. Allele origin: germline.
Comment: This variant results in the deletion of part of exon 213 (c.40053_40057+421del) of the TTN gene. It is expected to disrupt RNA splicing and likely results in a truncated or disrupted TTN protein. This variant is not present in population databases (gnomAD no frequency). This variant has not been reported in the literature in individuals affected with TTN-related conditions. This variant is located in the I band of TTN (PMID: 25589632). Truncating variants in this region have been reported in individuals affected with autosomal recessive centronuclear myopathy (PMID: 23975875, internal data). Truncating variants in this region have also been identified in individuals affected with autosomal dominant dilated cardiomyopathy and/or cardio-related conditions (PMID: 27869827, 32964742, internal data). In summary, the currently available evidence indicates that the variant is pathogenic, but additional data are needed to prove that conclusively. Therefore, this variant has been classified as Likely Pathogenic.

Literature cited by the submitters: PubMed 25589632; PubMed 23975875; PubMed 27869827; PubMed 32964742.